The following is an entry in ClinVar:

NM_001844.5(COL2A1):c.2740C>T (p.Pro914Ser)

Gene: COL2A1 (collagen type II alpha 1 chain; minus strand). Cytogenetic location: 12q13.11.
Variant type: single nucleotide variant.
Coding change: c.2740C>T on transcript NM_001844.5 (MANE Select); coding-DNA position 2740, C replaced by T.
Protein change: p.Pro914Ser; replaces proline 914 with serine.
Molecular consequence: missense variant.
Genome position (GRCh38, 1-based): chr12:47,978,752, G>A on the plus strand (C>T on the coding strand, the complement: COL2A1 is on the minus strand). VCF-style: chr12-47978752-G-A. GRCh37 (hg19) VCF-style: chr12-48372535-G-A.
Other names: c.2533C>T, p.Pro845Ser (NM_033150.3); short protein forms P845S, P914S.
Identifiers: ClinVar variation 4869163 (VCV004869163.2).

ClinVar aggregate classification (germline): Uncertain significance (1 of 4 stars; one submission).

Conditions:
Inborn genetic diseases. Identifiers: MedGen C0950123, MeSH D030342.

gnomAD v4.1: 2 of 1,612,876 alleles (0.00012%); highest among the groups gnomAD compares: Non-Finnish European, 0.00017%; no homozygotes.

Submission:

Ambry Genetics
Classification: Uncertain significance for Inborn genetic diseases. Last evaluated: 2026-06-18. Review status: criteria provided, single submitter. Criteria: Ambry Variant Classification Scheme 2023. Collection method: clinical testing. Allele origin: germline.
Comment: The c.2740C>T (p.P914S) alteration is located in exon 42 (coding exon 42) of the COL2A1 gene. This alteration results from a C to T substitution at nucleotide position 2740, causing the proline (P) at amino acid position 914 to be replaced by a serine (S). This variant was not reported in population-based cohorts in the Genome Aggregation Database (gnomAD). This amino acid position is highly conserved in available vertebrate species. The in silico prediction for this alteration is inconclusive. Based on insufficient or conflicting evidence, the clinical significance of this alteration remains unclear.